The following is an entry in ClinVar:

ClinVar aggregate classification (germline): Uncertain significance (1 of 4 stars; one submission).

Submission:

GeneDx
Classification: Uncertain significance. Last evaluated: 2023-12-26. Review status: criteria provided, single submitter. Criteria: GeneDx Variant Classification Process June 2021. Collection method: clinical testing. Allele origin: germline. Affected: yes.
Comment: Not observed at significant frequency in large population cohorts (gnomAD); In silico analysis supports that this missense variant has a deleterious effect on protein structure/function; Has not been previously published as pathogenic or benign to our knowledge

NM_001256012.3(MYH10):c.4113G>C (p.Gln1371His)

Gene: MYH10 (myosin heavy chain 10; minus strand). Cytogenetic location: 17p13.1.
Variant type: single nucleotide variant.
Coding change: c.4113G>C on transcript NM_001256012.3 (MANE Select); coding-DNA position 4113, G replaced by C.
Protein change: p.Gln1371His; replaces glutamine 1371 with histidine.
Molecular consequence: missense variant.
Genome position (GRCh38, 1-based): chr17:8,493,829, C>G on the plus strand (G>C on the coding strand, the complement: MYH10 is on the minus strand). VCF-style: chr17-8493829-C-G. GRCh37 (hg19) VCF-style: chr17-8397147-C-G.
Other names: c.4047G>C, p.Gln1349His (NM_001256095.2); c.4050G>C, p.Gln1350His (NM_001375266.1); c.4020G>C, p.Gln1340His (NM_005964.5); short protein forms Q1340H, Q1349H, Q1350H, Q1371H.
Identifiers: ClinVar variation 3367318 (VCV003367318.1).
Genomic context (GRCh38, chr17:8,493,829, plus strand): 5'-CTTCCTGGCCTCCTCCTCCTCCTCCTGCTGCTCCTGAAGACTGTTCTTCTCCTCTTCCAG[C>G]TGCCGGATCCGACTGCTCAGGTTTAGTTTCTGGCGTGTCTCCTCCTGAAGAAGCTCCTGT-3'
Protein context (NP_001242941.1, residues 1361-1381): QKLNLSSRIR[Gln1371His]LEEEKNSLQE